The following is an entry in ClinVar:

ClinVar aggregate classification (germline): Uncertain significance (1 of 4 stars; one submission).

Conditions:
Infantile-onset ascending hereditary spastic paralysis (IAHSP). Also called: Autosomal Recessive Juvenile Amyotrophic Lateral Sclerosis; Infantile-Onset Ascending Hereditary Spastic Paralysis (IAHSP). Identifiers: Orphanet 293168, MedGen C2931441, MONDO:0011797, OMIM 607225. Disease mechanism: loss of function.

Submission:

Labcorp Genetics (formerly Invitae), Labcorp
Classification: Uncertain significance for Infantile-onset ascending hereditary spastic paralysis. Last evaluated: 2022-06-27. Review status: criteria provided, single submitter. Criteria: Invitae Variant Classification Sherloc (09022015). Collection method: clinical testing. Allele origin: germline.
Comment: This variant has been observed in individual(s) with clinical features of hereditary spastic paraplegia (Invitae). In at least one individual the data is consistent with being in trans (on the opposite chromosome) from a pathogenic variant. In summary, the available evidence is currently insufficient to determine the role of this variant in disease. Therefore, it has been classified as a Variant of Uncertain Significance. Experimental studies and prediction algorithms are not available or were not evaluated, and the functional significance of this variant is currently unknown. This variant is present in population databases (no rsID available, gnomAD 0.0009%). This variant, c.165_167del, results in the deletion of 1 amino acid(s) of the ALS2 protein (p.Leu56del), but otherwise preserves the integrity of the reading frame.

NM_020919.4(ALS2):c.162TCT[1] (p.Leu56del)

Gene: ALS2 (alsin Rho guanine nucleotide exchange factor ALS2; minus strand). Cytogenetic location: 2q33.1.
Variant type: Microsatellite.
Coding change: c.162TCT[1] on transcript NM_020919.4 (MANE Select); one copy of the 3-base unit TCT starting at c.162; the reference has two copies in a row; one copy, 3 bases deleted.
Protein change: p.Leu56del; deletes leucine 56.
Molecular consequence: inframe deletion.
Genome position (GRCh38, 1-based): chr2:201,767,237-201,767,239, AGA deleted on the plus strand (TCT on the coding strand, the reverse complement: ALS2 is on the minus strand); deleting any 3 consecutive bases within chr2:201,767,237-201,767,243 gives the same sequence; the position shown is the placement nearest the transcript's 3' end. VCF-style (leftmost placement, unchanged base first): chr2-201767236-CAGA-C. GRCh37 (hg19) VCF-style: chr2-202631959-CAGA-C.
Other names: c.162TCT[1], p.Leu56del (NM_001135745.2); short protein forms L56del.
Identifiers: ClinVar variation 1376638 (VCV001376638.6), dbSNP rs1320134230, ClinGen allele CA538960362.